The following is an entry in ClinVar:

NM_001105562.3(UBE4B):c.1043C>T (p.Ser348Leu)

Gene: UBE4B (ubiquitination factor E4B; plus strand). Cytogenetic location: 1p36.22.
Variant type: single nucleotide variant.
Coding change: c.1043C>T on transcript NM_001105562.3 (MANE Select); coding-DNA position 1043, C replaced by T.
Protein change: p.Ser348Leu; replaces serine 348 with leucine.
Molecular consequence: missense variant. On other transcripts: intron variant (1).
Genome position (GRCh38, 1-based): chr1:10,106,430, C>T. VCF-style: chr1-10106430-C-T. GRCh37 (hg19) VCF-style: chr1-10166488-C-T.
Other names: c.1043C>T, p.Ser348Leu (NM_001410744.1); c.809+686C>T (NM_006048.5); short protein forms S348L.
Identifiers: ClinVar variation 4822849 (VCV004822849.4).

ClinVar aggregate classification (germline): Likely benign (1 of 4 stars; one submission).

Submission:

CeGaT Center for Human Genetics Tuebingen
Classification: Likely benign. Last evaluated: 2026-03-01. Review status: criteria provided, single submitter. Criteria: CeGaT Center For Human Genetics Tuebingen Variant Classification Criteria Version 2. Collection method: clinical testing. Allele origin: germline. Affected: yes. Observed: 1 variant allele.
Comment: UBE4B: BP4